The following is an entry in ClinVar:

NM_001366145.2(TRPM3):c.454A>G (p.Lys152Glu)

Gene: TRPM3 (transient receptor potential cation channel subfamily M member 3; minus strand). Cytogenetic location: 9q21.12.
Variant type: single nucleotide variant.
Coding change: c.454A>G on transcript NM_001366145.2 (MANE Select); coding-DNA position 454, A replaced by G.
Protein change: p.Lys152Glu; replaces lysine 152 with glutamic acid.
Molecular consequence: missense variant. On other transcripts: 5 prime UTR variant (9).
Genome position (GRCh38, 1-based): chr9:70,862,916, T>C on the plus strand (A>G on the coding strand, the complement: TRPM3 is on the minus strand). VCF-style: chr9-70862916-T-C. GRCh37 (hg19) VCF-style: chr9-73477832-T-C.
Other names: c.-6A>G (NM_001007470.3, NM_001366154.2, NM_020952.6 and 6 more transcripts); c.454A>G, p.Lys152Glu (NM_001007471.4, NM_001366146.2, NM_001366147.2 and 6 more transcripts); c.460A>G, p.Lys154Glu (NM_001366141.2, NM_001366142.2, NM_001366143.2 and 1 more transcripts); short protein forms K152E, K154E.
Identifiers: ClinVar variation 3361199 (VCV003361199.1).

ClinVar aggregate classification (germline): Uncertain significance (1 of 4 stars; one submission).

Submission:

GeneDx
Classification: Uncertain significance. Last evaluated: 2023-07-18. Review status: criteria provided, single submitter. Criteria: GeneDx Variant Classification Process June 2021. Collection method: clinical testing. Allele origin: germline. Affected: yes.
Comment: Not observed at significant frequency in large population cohorts (gnomAD); Has not been previously published as pathogenic or benign to our knowledge; In the absence of RNA/functional studies, the actual effect of this sequence change is unknown